The following is an entry in ClinVar:

NM_015915.5(ATL1):c.1097C>T (p.Thr366Ile)

Gene: ATL1 (atlastin GTPase 1; plus strand). Cytogenetic location: 14q22.1.
Variant type: single nucleotide variant.
Coding change: c.1097C>T on transcript NM_015915.5 (MANE Select); coding-DNA position 1097, C replaced by T.
Protein change: p.Thr366Ile; replaces threonine 366 with isoleucine.
Molecular consequence: missense variant.
Genome position (GRCh38, 1-based): chr14:50,623,226, C>T. VCF-style: chr14-50623226-C-T. GRCh37 (hg19) VCF-style: chr14-51089944-C-T.
Other names: c.1097C>T, p.Thr366Ile (NM_001127713.1, NM_181598.4); short protein forms T366I.
Identifiers: ClinVar variation 2919519 (VCV002919519.4), dbSNP rs138807792, ClinGen allele CA7180421.

ClinVar aggregate classification (germline): Uncertain significance. Review status: criteria provided, multiple submitters, no conflicts (2 of 4 stars). 2 submissions from 2 submitters: Uncertain significance (2). Last evaluated 2024-05-01.

Conditions:
Hereditary spastic paraplegia 3A (SPG3A). Also called: Spastic paraplegia 3A, autosomal dominant; SPASTIC PARAPLEGIA 3, AUTOSOMAL DOMINANT; FAMILIAL SPASTIC PARAPLEGIA, AUTOSOMAL DOMINANT, 1; SPG3; STRUMPELL DISEASE; Spastic Paraplegia 3A. Identifiers: Orphanet 100984, MedGen C2931355, MONDO:0008437, OMIM 182600.

Allele frequency attached by ClinVar (database versions not stated): TOPMed below 0.00001; ExAC 0.00001; gnomAD 0.00001; gnomAD exomes 0.00001; ESP Exome Variant Server 0.00008.
gnomAD v4.1: 22 of 1,613,604 alleles (0.0014%); highest among the groups gnomAD compares: Non-Finnish European, 0.0017%; no homozygotes.

Submissions (2):

Labcorp Genetics (formerly Invitae), Labcorp
Classification: Uncertain significance for Hereditary spastic paraplegia 3A. Last evaluated: 2024-05-01. Review status: criteria provided, single submitter. Criteria: Invitae Variant Classification Sherloc (09022015). Collection method: clinical testing. Allele origin: germline.
Comment: This sequence change replaces threonine, which is neutral and polar, with isoleucine, which is neutral and non-polar, at codon 366 of the ATL1 protein (p.Thr366Ile). This variant is present in population databases (rs138807792, gnomAD 0.0009%). This variant has not been reported in the literature in individuals affected with ATL1-related conditions. Advanced modeling of protein sequence and biophysical properties (such as structural, functional, and spatial information, amino acid conservation, physicochemical variation, residue mobility, and thermodynamic stability) performed at Invitae indicates that this missense variant is not expected to disrupt ATL1 protein function with a negative predictive value of 95%. In summary, the available evidence is currently insufficient to determine the role of this variant in disease. Therefore, it has been classified as a Variant of Uncertain Significance.

Blueprint Genetics
Classification: Uncertain significance. Last evaluated: 2023-07-11. Review status: criteria provided, single submitter. Criteria: ACMG Guidelines, 2015. Collection method: clinical testing. Allele origin: germline.